The following is an entry in ClinVar:

ClinVar aggregate classification (germline): Conflicting classifications of pathogenicity. Review status: criteria provided, conflicting classifications (1 of 4 stars). 2 submissions from 2 submitters: Uncertain significance (1); Likely benign (1). Last evaluated 2023-03-23.

Conditions:
Hereditary cancer-predisposing syndrome. Also called: Hereditary neoplastic syndrome; Neoplastic Syndromes, Hereditary; Tumor predisposition; Hereditary Cancer Syndrome. Identifiers: Orphanet 140162, MedGen C0027672, MeSH D009386, MONDO:0015356.
Hereditary breast ovarian cancer syndrome. Also called: Hereditary breast and/or ovarian cancer syndrome; Hereditary breast and ovarian cancer syndrome; Hereditary breast and ovarian cancer syndrome (HBOC); Breast and ovarian cancer; BRCA1- and BRCA2-Associated Hereditary Breast and Ovarian Cancer; Hereditary breast and ovarian cancer. Identifiers: Orphanet 145, MedGen C0677776, MeSH D061325, MONDO:0003582. Disease mechanism: loss of function.

Submissions (2):

University of Washington Department of Laboratory Medicine, University of Washington
Classification: Likely benign for Hereditary cancer-predisposing syndrome. Last evaluated: 2023-03-23. Review status: criteria provided, single submitter. Criteria: Dines et al. (Genet Med. 2020). Collection method: curation. Allele origin: germline.
Comment: Missense variant in a coldspot region where missense variants are very unlikely to be pathogenic (PMID:31911673).

BRCA2 exon 11 coldspot. Reclassification based on statistical prior probability.

Labcorp Genetics (formerly Invitae), Labcorp
Classification: Uncertain significance for Hereditary breast ovarian cancer syndrome. Last evaluated: 2023-01-20. Review status: criteria provided, single submitter. Criteria: Invitae Variant Classification Sherloc (09022015). Collection method: clinical testing. Allele origin: germline.
Comment: ClinVar contains an entry for this variant (Variation ID: 1003710). This variant has not been reported in the literature in individuals affected with BRCA2-related conditions. This variant is not present in population databases (gnomAD no frequency). This sequence change replaces glycine, which is neutral and non-polar, with arginine, which is basic and polar, at codon 2057 of the BRCA2 protein (p.Gly2057Arg). Advanced modeling of protein sequence and biophysical properties (such as structural, functional, and spatial information, amino acid conservation, physicochemical variation, residue mobility, and thermodynamic stability) performed at Invitae indicates that this missense variant is not expected to disrupt BRCA2 protein function. In summary, the available evidence is currently insufficient to determine the role of this variant in disease. Therefore, it has been classified as a Variant of Uncertain Significance.

NM_000059.4(BRCA2):c.6169G>A (p.Gly2057Arg)

Gene: BRCA2 (BRCA2 DNA repair associated; plus strand). Cytogenetic location: 13q13.1.
Variant type: single nucleotide variant.
Coding change: c.6169G>A on transcript NM_000059.4 (MANE Select); coding-DNA position 6169, G replaced by A.
Protein change: p.Gly2057Arg; replaces glycine 2057 with arginine.
Molecular consequence: missense variant.
Genome position (GRCh38, 1-based): chr13:32,340,524, G>A. VCF-style: chr13-32340524-G-A. GRCh37 (hg19) VCF-style: chr13-32914661-G-A.
Other names: short protein forms G2057R.
Identifiers: ClinVar variation 1003710 (VCV001003710.13), dbSNP rs80358856, ClinGen allele CA387788354.